The following is an entry in ClinVar:

ClinVar aggregate classification (germline): Uncertain significance (1 of 4 stars; one submission).

Conditions:
Syndromic multisystem autoimmune disease due to ITCH deficiency. Also called: AUTOIMMUNE DISEASE, MULTISYSTEM, WITH FACIAL DYSMORPHISM. Identifiers: Orphanet 228426, MedGen C3150649, MONDO:0013245, OMIM 613385.

Allele frequency attached by ClinVar (database versions not stated): gnomAD exomes 0.00001.
gnomAD v4.1: 8 of 1,613,224 alleles (0.0005%); highest among the groups gnomAD compares: Non-Finnish European, 0.00068%; no homozygotes.

Submission:

Labcorp Genetics (formerly Invitae), Labcorp
Classification: Uncertain significance for Syndromic multisystem autoimmune disease due to ITCH deficiency. Last evaluated: 2023-11-27. Review status: criteria provided, single submitter. Criteria: Invitae Variant Classification Sherloc (09022015). Collection method: clinical testing. Allele origin: germline.
Comment: This sequence change replaces lysine, which is basic and polar, with glutamine, which is neutral and polar, at codon 735 of the ITCH protein (p.Lys735Gln). This variant is present in population databases (no rsID available, gnomAD 0.0009%). This variant has not been reported in the literature in individuals affected with ITCH-related conditions. ClinVar contains an entry for this variant (Variation ID: 2068701). An algorithm developed to predict the effect of missense changes on protein structure and function (PolyPhen-2) suggests that this variant is likely to be disruptive. In summary, the available evidence is currently insufficient to determine the role of this variant in disease. Therefore, it has been classified as a Variant of Uncertain Significance.

NM_031483.7(ITCH):c.2203A>C (p.Lys735Gln)

Gene: ITCH (itchy E3 ubiquitin protein ligase; plus strand). Cytogenetic location: 20q11.22.
Variant type: single nucleotide variant.
Coding change: c.2203A>C on transcript NM_031483.7 (MANE Select); coding-DNA position 2203, A replaced by C.
Protein change: p.Lys735Gln; replaces lysine 735 with glutamine.
Molecular consequence: missense variant.
Genome position (GRCh38, 1-based): chr20:34,489,375, A>C. VCF-style: chr20-34489375-A-C. GRCh37 (hg19) VCF-style: chr20-33077180-A-C.
Other names: c.2326A>C, p.Lys776Gln (NM_001257137.3, NM_001324197.2); c.1873A>C, p.Lys625Gln (NM_001257138.3); c.2203A>C, p.Lys735Gln (NM_001324198.2); short protein forms K735Q, K776Q, K625Q.
Identifiers: ClinVar variation 2068701 (VCV002068701.3), dbSNP rs1347434826, ClinGen allele CA408672352.
Genomic context (GRCh38, chr20:34,489,375, plus strand): 5'-GCTTTCTTTGAAGGCTTTAATGAAATTCTTCCCCAGCAATATTTGCAATACTTTGATGCA[A>C]AGGAATTAGAGGTAATGAATTTTCCTTCATTCCCCTGTACCATGCTAGTAAATAATGCCT-3'
Protein context (NP_113671.3, residues 725-745): PQQYLQYFDA[Lys735Gln]ELEVLLCGMQ